The following is an entry in ClinVar:

NM_015346.4(ZFYVE26):c.4336A>G (p.Ile1446Val)

Gene: ZFYVE26 (zinc finger FYVE-type containing 26; minus strand). Cytogenetic location: 14q24.1.
Variant type: single nucleotide variant.
Coding change: c.4336A>G on transcript NM_015346.4 (MANE Select); coding-DNA position 4336, A replaced by G.
Protein change: p.Ile1446Val; replaces isoleucine 1446 with valine.
Molecular consequence: missense variant.
Genome position (GRCh38, 1-based): chr14:67,782,816, T>C on the plus strand (A>G on the coding strand, the complement: ZFYVE26 is on the minus strand). VCF-style: chr14-67782816-T-C. GRCh37 (hg19) VCF-style: chr14-68249533-T-C.
Other names: short protein forms I1446V.
Identifiers: ClinVar variation 885280 (VCV000885280.7), dbSNP rs773755777, ClinGen allele CA7239794.

ClinVar aggregate classification (germline): Conflicting classifications of pathogenicity. Review status: criteria provided, conflicting classifications (1 of 4 stars). 3 submissions from 3 submitters: Uncertain significance (2); Likely benign (1). Last evaluated 2022-07-14.

Conditions:
Spastic paraplegia. Identifiers: MedGen C0037772, HP:0001258.
Hereditary spastic paraplegia 15 (SPG15). Also called: KJELLIN SYNDROME; SPASTIC PARAPLEGIA 15, AUTOSOMAL RECESSIVE; SPASTIC PARAPLEGIA AND RETINAL DEGENERATION. Identifiers: Orphanet 100996, MedGen C1849128, MONDO:0010044, OMIM 270700.

Allele frequency attached by ClinVar (database versions not stated): gnomAD 0.00001; gnomAD exomes 0.00001 and 0.00003; TOPMed 0.00001; ExAC 0.00002.
gnomAD v4.1: 26 of 1,614,126 alleles (0.0016%); highest among the groups gnomAD compares: African/African-American, 0.004%; no homozygotes.

Submissions (3):

Blueprint Genetics
Classification: Likely benign. Last evaluated: 2022-07-14. Review status: criteria provided, single submitter. Criteria: ACMG Guidelines, 2015. Collection method: clinical testing. Allele origin: germline.

Labcorp Genetics (formerly Invitae), Labcorp
Classification: Uncertain significance for Spastic paraplegia. Last evaluated: 2021-09-01. Review status: criteria provided, single submitter. Criteria: Invitae Variant Classification Sherloc (09022015). Collection method: clinical testing. Allele origin: germline.
Comment: This sequence change replaces isoleucine with valine at codon 1446 of the ZFYVE26 protein (p.Ile1446Val). The isoleucine residue is moderately conserved and there is a small physicochemical difference between isoleucine and valine. This variant is present in population databases (rs773755777, ExAC 0.02%). This variant has not been reported in the literature in individuals affected with ZFYVE26-related conditions. Algorithms developed to predict the effect of missense changes on protein structure and function output the following: SIFT: "Tolerated"; PolyPhen-2: "Benign"; Align-GVGD: "Class C0". The valine amino acid residue is found in multiple mammalian species, which suggests that this missense change does not adversely affect protein function. In summary, the available evidence is currently insufficient to determine the role of this variant in disease. Therefore, it has been classified as a Variant of Uncertain Significance.

Illumina Laboratory Services, Illumina
Classification: Uncertain significance for Hereditary spastic paraplegia 15. Last evaluated: 2018-01-12. Review status: criteria provided, single submitter. Criteria: ICSL Variant Classification Criteria 13 December 2019. Collection method: clinical testing. Allele origin: germline.